The following is an entry in ClinVar:

NM_001298.3(CNGA3):c.1070A>C (p.Tyr357Ser)

Gene: CNGA3 (cyclic nucleotide gated channel subunit alpha 3; plus strand). Cytogenetic location: 2q11.2.
Variant type: single nucleotide variant.
Coding change: c.1070A>C on transcript NM_001298.3 (MANE Select); coding-DNA position 1070, A replaced by C.
Protein change: p.Tyr357Ser; replaces tyrosine 357 with serine.
Molecular consequence: missense variant.
Genome position (GRCh38, 1-based): chr2:98,396,240, A>C. VCF-style: chr2-98396240-A-C. GRCh37 (hg19) VCF-style: chr2-99012703-A-C.
Other names: c.1016A>C, p.Tyr339Ser (NM_001079878.2); short protein forms Y339S, Y357S.
Identifiers: ClinVar variation 4881939 (VCV004881939.2).

ClinVar aggregate classification (germline): Likely pathogenic (1 of 4 stars; one submission).

Conditions:
Achromatopsia 2 (ACHM2). Also called: COLORBLINDNESS, TOTAL; ROD MONOCHROMACY 2; ROD MONOCHROMATISM 2. Identifiers: Orphanet 49382, MedGen C1857618, MONDO:0009003, OMIM 216900.

Submission:

Dasa
Classification: Likely pathogenic for Achromatopsia 2. Last evaluated: 2025-07-14. Review status: criteria provided, single submitter. Criteria: DASA Assertion Criteria. Collection method: clinical testing. Allele origin: germline.
Comment: NM_001298.3(CNGA3):c.1070A>C (p.Tyr357Ser) is a missense variant that results in the substitution of tyrosine with serine. The affected residue or protein region has prior evidence supporting clinical relevance. This variant has been observed in affected individuals with CNGA3-related disorders. Also, this variant is absent from population databases. Computational evidence supports a deleterious effect. Based on the currently available evidence, this variant is classified as likely pathogenic.